The following is an entry in ClinVar:

NM_000030.3(AGXT):c.568G>C (p.Gly190Arg)

Gene: AGXT (alanine--glyoxylate aminotransferase; plus strand). Cytogenetic location: 2q37.3.
Variant type: single nucleotide variant.
Coding change: c.568G>C on transcript NM_000030.3 (MANE Select); coding-DNA position 568, G replaced by C.
Protein change: p.Gly190Arg; replaces glycine 190 with arginine.
Molecular consequence: missense variant.
Genome position (GRCh38, 1-based): chr2:240,873,022, G>C. VCF-style: chr2-240873022-G-C. GRCh37 (hg19) VCF-style: chr2-241812439-G-C.
Other names: short protein forms G190R.
Identifiers: ClinVar variation 2577088 (VCV002577088.2), dbSNP rs180177239, ClinGen allele CA351316577.

ClinVar aggregate classification (germline): Pathogenic (1 of 4 stars; one submission).

Conditions:
Primary hyperoxaluria. Identifiers: Orphanet 416, MedGen C0020501, MONDO:0002474.

Submission:

Women's Health and Genetics/Laboratory Corporation of America, LabCorp
Classification: Pathogenic for Primary hyperoxaluria. Last evaluated: 2023-07-28. Review status: criteria provided, single submitter. Criteria: LabCorp Variant Classification Summary - May 2015. Collection method: clinical testing. Allele origin: germline.
Comment: Variant summary: AGXT c.568G>C (p.Gly190Arg) results in a non-conservative amino acid change located in the Aminotransferase class V domain (IPR000192) of the encoded protein sequence. Five of five in-silico tools predict a damaging effect of the variant on protein function. The variant was absent in 249624 control chromosomes (gnomAD). c.568G>C has been reported in the literature in multiple individuals affected with Primary Hyperoxaluria Type 1 (example: Talati_2018). These data indicate that the variant is very likely to be associated with disease. Additionally, a different variant resulting in the same amino acid change (c.568G>A, p.Gly190Arg) has been reported in 19 homozygous cases (PMID: 27935012) and is classified pathogenic in ClinVar ( CV ID 189047). The following publication has been ascertained in the context of this evaluation (PMID: 28660284). No submitters have cited clinical-significance assessments for this variant to ClinVar after 2014. Based on the evidence outlined above, the variant was classified as pathogenic.

Literature cited by the submitters: PubMed 28660284.